The following is an entry in ClinVar:

ClinVar aggregate classification (germline): Benign/Likely benign. Review status: criteria provided, multiple submitters, no conflicts (2 of 4 stars). 7 submissions from 7 submitters: Benign (6); Likely benign (1). Last evaluated 2026-09-01.

Conditions:
Combined oxidative phosphorylation defect type 14. Also called: Combined oxidative phosphorylation deficiency 14. Identifiers: Orphanet 319519, MedGen C4755312, MONDO:0013986, OMIM 614946.

Allele frequency attached by ClinVar (database versions not stated): gnomAD exomes 0.00156; ExAC 0.00170; 1000 Genomes Project 0.00359; 1000 Genomes Project 30x 0.00390; TOPMed 0.00440; ESP Exome Variant Server 0.00461.
gnomAD v4.1: 2,870 of 1,614,100 alleles (0.18%); highest among the groups gnomAD compares: African/African-American, 1.2%; 7 homozygotes.

Submissions (7):

CeGaT Center for Human Genetics Tuebingen
Classification: Likely benign. Last evaluated: 2026-09-01. Review status: criteria provided, single submitter. Criteria: CeGaT Center For Human Genetics Tuebingen Variant Classification Criteria Version 2. Collection method: clinical testing. Allele origin: germline. Affected: yes. Observed: 7 variant alleles.
Comment: FARS2: BP4, BP7, BS1

Labcorp Genetics (formerly Invitae), Labcorp
Classification: Benign for Combined oxidative phosphorylation defect type 14. Last evaluated: 2026-02-03. Review status: criteria provided, single submitter. Criteria: Invitae Variant Classification Sherloc (09022015). Collection method: clinical testing. Allele origin: germline.

ARUP Laboratories, Molecular Genetics and Genomics, ARUP Laboratories
Classification: Benign. Last evaluated: 2023-12-22. Review status: criteria provided, single submitter. Criteria: ARUP Molecular Germline Variant Investigation Process 2024. Collection method: clinical testing. Allele origin: germline.

Mayo Clinic Laboratories, Mayo Clinic
Classification: Benign. Last evaluated: 2020-11-23. Review status: criteria provided, single submitter. Criteria: ACMG Guidelines, 2015. Collection method: clinical testing. Allele origin: germline. Observed: 8 variant alleles.

Wong Mito Lab, Molecular and Human Genetics, Baylor College of Medicine
Classification: Benign for Combined oxidative phosphorylation deficiency 14. Last evaluated: 2018-06-13. Review status: criteria provided, single submitter. Criteria: ACMG Guidelines, 2015. Collection method: clinical testing. Allele origin: germline.

GeneDx
Classification: Benign. Last evaluated: 2015-09-01. Review status: criteria provided, single submitter. Criteria: GeneDx Variant Classification (06012015). Collection method: clinical testing. Allele origin: germline. Affected: yes.
Comment: This variant is considered likely benign or benign based on one or more of the following criteria: it is a conservative change, it occurs at a poorly conserved position in the protein, it is predicted to be benign by multiple in silico algorithms, and/or has population frequency not consistent with disease.

PreventionGenetics, part of Exact Sciences
Classification: Benign. Review status: criteria provided, single submitter. Criteria: ACMG Guidelines, 2015. Collection method: clinical testing. Allele origin: germline.

NM_006567.5(FARS2):c.183C>T (p.Asp61=)

Genes: FARS2 (phenylalanyl-tRNA synthetase 2, mitochondrial; plus strand), LOC126859565 (CDK7 strongly-dependent group 2 enhancer GRCh37_chr6:5368745-5369944; plus strand). Cytogenetic location: 6p25.1.
Variant type: single nucleotide variant.
Coding change: c.183C>T on transcript NM_006567.5 (MANE Select); coding-DNA position 183, C replaced by T.
Protein change: p.Asp61=; no amino-acid change (aspartic acid 61 retained).
Molecular consequence: synonymous variant. On other transcripts: intron variant (2).
Genome position (GRCh38, 1-based): chr6:5,368,753, C>T. VCF-style: chr6-5368753-C-T. GRCh37 (hg19) VCF-style: chr6-5368986-C-T.
Other names: p.Asp61=; c.183C>T, p.Asp61= (NM_001318872.2, NM_001374875.1, NM_001374876.1 and 5 more transcripts); c.-340-27880C>T (NM_001375260.1); c.-84-35789C>T (NM_001375259.1).
Identifiers: ClinVar variation 260002 (VCV000260002.39), dbSNP rs73718082, ClinGen allele CA3623602.